The following is an entry in ClinVar:

ClinVar aggregate classification (germline): Likely benign (0 of 4 stars; one submission).

Conditions:
MUC16-related disorder. Also called: MUC16-related condition.

Allele frequency attached by ClinVar (database versions not stated): 1000 Genomes Project 30x 0.03310.

Submission:

PreventionGenetics, part of Exact Sciences
Classification: Likely benign for MUC16-related condition. Last evaluated: 2020-07-31. Review status: no assertion criteria provided. Collection method: clinical testing. Allele origin: germline.
Comment: This variant is classified as likely benign based on ACMG/AMP sequence variant interpretation guidelines (Richards et al. 2015 PMID: 25741868, with internal and published modifications).

NM_001401501.2(MUC16):c.39154G>C (p.Asp13052His)

Gene: MUC16 (mucin 16, cell surface associated; minus strand). Cytogenetic location: 19p13.2.
Variant type: single nucleotide variant.
Coding change: c.39154G>C on transcript NM_001401501.2 (MANE Select); coding-DNA position 39154, G replaced by C.
Protein change: p.Asp13052His; replaces aspartic acid 13052 with histidine.
Molecular consequence: missense variant.
Genome position (GRCh38, 1-based): chr19:8,900,017, C>G on the plus strand (G>C on the coding strand, the complement: MUC16 is on the minus strand). VCF-style: chr19-8900017-C-G. GRCh37 (hg19) VCF-style: chr19-9010693-C-G.
Other names: c.39580G>C, p.Asp13194His (NM_001414686.1); c.39034G>C, p.Asp13012His (NM_001414687.1); c.38968G>C, p.Asp12990His (NM_024690.2); short protein forms D12990H, D13012H, D13052H, D13194H.
Identifiers: ClinVar variation 3055289 (VCV003055289.2), dbSNP rs796074138, ClinGen allele CA305081432.